The following is an entry in ClinVar:

ClinVar aggregate classification (germline): Pathogenic. Review status: reviewed by expert panel (3 of 4 stars). 3 submissions from 3 submitters: Pathogenic (1). 2 of the submissions do not count toward it. Last evaluated 2016-10-18.

Conditions:
Breast-ovarian cancer, familial, susceptibility to, 2 (BROVCA2). Also called: BRCA2 Hereditary Breast and Ovarian Cancer. Identifiers: Orphanet 145, MedGen C2675520, MONDO:0012933, OMIM 612555. Disease mechanism: loss of function.
Hereditary breast ovarian cancer syndrome. Also called: BRCA1- and BRCA2-Associated Hereditary Breast and Ovarian Cancer; Hereditary breast and ovarian cancer; Breast and ovarian cancer; Hereditary breast and/or ovarian cancer syndrome; Hereditary breast and ovarian cancer syndrome; Hereditary breast and ovarian cancer syndrome (HBOC). Identifiers: Orphanet 145, MedGen C0677776, MeSH D061325, MONDO:0003582. Disease mechanism: loss of function.

Submissions (3):

Evidence-based Network for the Interpretation of Germline Mutant Alleles (ENIGMA)
Classification: Pathogenic for Breast-ovarian cancer, familial, susceptibility to, 2. Last evaluated: 2016-10-18. Review status: reviewed by expert panel. Criteria: ENIGMA BRCA1/2 Classification Criteria (2015). Collection method: curation. Allele origin: germline.
Comment: Variant allele predicted to encode a truncated non-functional protein.

Labcorp Genetics (formerly Invitae), Labcorp
Classification: Pathogenic for Hereditary breast ovarian cancer syndrome. Last evaluated: 2023-04-20. Review status: criteria provided, single submitter. Criteria: Invitae Variant Classification Sherloc (09022015). Collection method: clinical testing. Allele origin: germline. Not counted in ClinVar's aggregate classification.
Comment: For these reasons, this variant has been classified as Pathogenic. ClinVar contains an entry for this variant (Variation ID: 266811). This variant has not been reported in the literature in individuals affected with BRCA2-related conditions. This variant is not present in population databases (gnomAD no frequency). This sequence change creates a premature translational stop signal (p.Gln147Hisfs*5) in the BRCA2 gene. It is expected to result in an absent or disrupted protein product. Loss-of-function variants in BRCA2 are known to be pathogenic (PMID: 20104584).

Consortium of Investigators of Modifiers of BRCA1/2 (CIMBA), c/o University of Cambridge
Classification: Pathogenic for Breast-ovarian cancer, familial, susceptibility to, 2. Last evaluated: 2015-10-02. Review status: criteria provided, single submitter. Criteria: CIMBA Mutation Classification guidelines May 2016. Collection method: clinical testing. Allele origin: germline. Not counted in ClinVar's aggregate classification.

Literature cited by the submitters: PubMed 20104584 (cited by Labcorp Genetics (formerly Invitae), Labcorp).

NM_000059.4(BRCA2):c.441del (p.Gln147fs)

Gene: BRCA2 (BRCA2 DNA repair associated; plus strand). Cytogenetic location: 13q13.1.
Variant type: Deletion.
Coding change: c.441del on transcript NM_000059.4 (MANE Select); coding-DNA position 441, one base deleted (A; older notation c.441delA).
Protein change: p.Gln147fs; shifts the reading frame from glutamine 147.
Molecular consequence: frameshift variant.
Genome position (GRCh38, 1-based): chr13:32,326,116, A deleted; the last of 2 consecutive A bases (chr13:32,326,115-32,326,116); deleting either gives the same sequence. VCF-style (leftmost placement, unchanged base first): chr13-32326114-CA-C. GRCh37 (hg19) VCF-style: chr13-32900251-CA-C.
Other names: 669delA; short protein forms Q147fs.
Identifiers: ClinVar variation 266811 (VCV000266811.8), dbSNP rs886040529, ClinGen allele CA10589024.